The following is an entry in ClinVar:

ClinVar aggregate classification (germline): Uncertain significance (1 of 4 stars; one submission).

Conditions:
Inborn genetic diseases. Identifiers: MedGen C0950123, MeSH D030342.

Submission:

Ambry Genetics
Classification: Uncertain significance for Inborn genetic diseases. Last evaluated: 2024-10-19. Review status: criteria provided, single submitter. Criteria: Ambry Variant Classification Scheme 2023. Collection method: clinical testing. Allele origin: germline.
Comment: The p.G437S variant (also known as c.1309G>A), located in coding exon 7 of the LTBP3 gene, results from a G to A substitution at nucleotide position 1309. The glycine at codon 437 is replaced by serine, an amino acid with similar properties. This amino acid position is conserved. In addition, this alteration is predicted to be deleterious by in silico analysis. Based on the available evidence, the clinical significance of this variant remains unclear.

NM_001130144.3(LTBP3):c.1309G>A (p.Gly437Ser)

Gene: LTBP3 (latent transforming growth factor beta binding protein 3; minus strand). Cytogenetic location: 11q13.1.
Variant type: single nucleotide variant.
Coding change: c.1309G>A on transcript NM_001130144.3 (MANE Select); coding-DNA position 1309, G replaced by A.
Protein change: p.Gly437Ser; replaces glycine 437 with serine.
Molecular consequence: missense variant.
Genome position (GRCh38, 1-based): chr11:65,552,284, C>T on the plus strand (G>A on the coding strand, the complement: LTBP3 is on the minus strand). VCF-style: chr11-65552284-C-T. GRCh37 (hg19) VCF-style: chr11-65319755-C-T.
Other names: c.958G>A, p.Gly320Ser (NM_001164266.1); c.1309G>A, p.Gly437Ser (NM_021070.4); short protein forms G320S, G437S.
Identifiers: ClinVar variation 3541087 (VCV003541087.1).
Genomic context (GRCh38, chr11:65,552,284, plus strand): 5'-TATCCCCGGGTAACCCTGACTCACCGGTGCCATCTGTTGGGCAGCGCTGACACCGCGCGC[C>T]CCAGGCCTTGCCGACACTGCAGCAGCAGAGCTGGCGGGTCAGGCGGGTGGTCAGTGGGTG-3'
Protein context (NP_001123616.1, residues 427-447): LCCCSVGKAW[Gly437Ser]ARCQRCPTDG